The following is an entry in ClinVar:

NM_015335.5(MED13L):c.1969G>A (p.Asp657Asn)

Gene: MED13L (mediator complex subunit 13L; minus strand). Cytogenetic location: 12q24.21.
Variant type: single nucleotide variant.
Coding change: c.1969G>A on transcript NM_015335.5 (MANE Select); coding-DNA position 1969, G replaced by A.
Protein change: p.Asp657Asn; replaces aspartic acid 657 with asparagine.
Molecular consequence: missense variant.
Genome position (GRCh38, 1-based): chr12:116,008,444, C>T on the plus strand (G>A on the coding strand, the complement: MED13L is on the minus strand). VCF-style: chr12-116008444-C-T. GRCh37 (hg19) VCF-style: chr12-116446249-C-T.
Other names: c.1969G>A (NM_015335.4); short protein forms D657N.
Identifiers: ClinVar variation 1568010 (VCV001568010.4), dbSNP rs760771799, ClinGen allele CA6811327.
Genomic context (GRCh38, chr12:116,008,444, plus strand): 5'-GCAGAGAGCTGTCTTACCTTTGCAATGCAGTGCTCTCTGAGTTTACCTCCATTTTGGCAT[C>T]ACATCTCTCACCCTGGAGCTCTGGAGGCCTGAACTCAGCATCATCACTGGGTGGGAGACG-3'
Protein context (NP_056150.1, residues 647-667): RPPELQGERC[Asp657Asn]AKMEVNSEST

ClinVar aggregate classification (germline): Likely benign. Review status: criteria provided, single submitter (1 of 4 stars). 2 submissions from 2 submitters: Likely benign (1). 1 of the submissions does not count toward it. Last evaluated 2020-12-23.

Conditions:
MED13L-related disorder. Also called: MED13L-related condition.
Dextro-looped transposition of the great arteries. Also called: Dextrotransposition of the great arteries. Identifiers: Orphanet 860, MedGen C3531771, MONDO:0019443, OMIM 608808, HP:0031348.

Allele frequency attached by ClinVar (database versions not stated): TOPMed below 0.00001; gnomAD 0.00001; ExAC 0.00009.

Submissions (2):

Labcorp Genetics (formerly Invitae), Labcorp
Classification: Likely benign for Dextro-looped transposition of the great arteries. Last evaluated: 2020-12-23. Review status: criteria provided, single submitter. Criteria: Invitae Variant Classification Sherloc (09022015). Collection method: clinical testing. Allele origin: germline.

PreventionGenetics, part of Exact Sciences
Classification: Likely benign for MED13L-related condition. Last evaluated: 2024-08-26. Review status: no assertion criteria provided. Collection method: clinical testing. Allele origin: germline. Not counted in ClinVar's aggregate classification.
Comment: This variant is classified as likely benign based on ACMG/AMP sequence variant interpretation guidelines (Richards et al. 2015 PMID: 25741868, with internal and published modifications).